The following is an entry in ClinVar:

NM_206965.2(FTCD):c.1409G>A (p.Arg470Gln)

Gene: FTCD (formimidoyltransferase cyclodeaminase; minus strand). Cytogenetic location: 21q22.3.
Variant type: single nucleotide variant.
Coding change: c.1409G>A on transcript NM_206965.2 (MANE Select); coding-DNA position 1409, G replaced by A.
Protein change: p.Arg470Gln; replaces arginine 470 with glutamine.
Molecular consequence: missense variant.
Genome position (GRCh38, 1-based): chr21:46,138,542, C>T on the plus strand (G>A on the coding strand, the complement: FTCD is on the minus strand). VCF-style: chr21-46138542-C-T. GRCh37 (hg19) VCF-style: chr21-47558456-C-T.
Other names: c.1409G>A, p.Arg470Gln (NM_001320412.2, NM_006657.3); short protein forms R470Q.
Identifiers: ClinVar variation 340416 (VCV000340416.30), dbSNP rs61735839, ClinGen allele CA10073449.

ClinVar aggregate classification (germline): Likely benign. Review status: criteria provided, multiple submitters, no conflicts (2 of 4 stars). 2 submissions from 2 submitters: Likely benign (2). Last evaluated 2026-01-25.

Conditions:
Glutamate formiminotransferase deficiency. Also called: Arakawa syndrome 1; Formiminoglutamic aciduria. Identifiers: Orphanet 51208, MedGen C0268609, MONDO:0009240, OMIM 229100.

Allele frequency attached by ClinVar (database versions not stated): ESP Exome Variant Server 0.00055; 1000 Genomes Project 0.00100; 1000 Genomes Project 30x 0.00125; gnomAD 0.00128 and 0.00129; TOPMed 0.00130.
gnomAD v4.1: 1,808 of 1,586,500 alleles (0.11%); highest among the groups gnomAD compares: Middle Eastern, 0.31%; 14 homozygotes.

Submissions (2):

Labcorp Genetics (formerly Invitae), Labcorp
Classification: Likely benign for Glutamate formiminotransferase deficiency. Last evaluated: 2026-01-25. Review status: criteria provided, single submitter. Criteria: Invitae Variant Classification Sherloc (09022015). Collection method: clinical testing. Allele origin: germline.

CeGaT Center for Human Genetics Tuebingen
Classification: Likely benign. Last evaluated: 2024-06-01. Review status: criteria provided, single submitter. Criteria: CeGaT Center For Human Genetics Tuebingen Variant Classification Criteria Version 2. Collection method: clinical testing. Allele origin: germline. Affected: yes. Observed: 3 variant alleles.
Comment: FTCD: BP4, BS2